The following is an entry in ClinVar:

NM_001099271.2(POC5):c.283A>G (p.Ile95Val)

Gene: POC5 (POC5 centriolar protein; minus strand). Cytogenetic location: 5q13.3.
Variant type: single nucleotide variant.
Coding change: c.283A>G on transcript NM_001099271.2 (MANE Select); coding-DNA position 283, A replaced by G.
Protein change: p.Ile95Val; replaces isoleucine 95 with valine.
Molecular consequence: missense variant.
Genome position (GRCh38, 1-based): chr5:75,705,728, T>C on the plus strand (A>G on the coding strand, the complement: POC5 is on the minus strand). VCF-style: chr5-75705728-T-C. GRCh37 (hg19) VCF-style: chr5-75001553-T-C.
Other names: c.208A>G, p.Ile70Val (NM_152408.3); short protein forms I70V, I95V.
Identifiers: ClinVar variation 1524559 (VCV001524559.6), dbSNP rs2112190564, ClinGen allele CA360150178.
Genomic context (GRCh38, chr5:75,705,728, plus strand): 5'-GTATATTAATACAAATAAGCTAAAGAAAAATCATACCATCTGTCTTTGAATGACTTGAAA[T>C]ATGGAAATCACATCCTTTTCCAACTTCTATTGCAGTTTCTCTTACTTCAGAGTTATTTCC-3'
Protein context (NP_001092741.1, residues 85-105): IEVGKGCDFH[Ile95Val]SSHSKTDESS

ClinVar aggregate classification (germline): Uncertain significance (1 of 4 stars; one submission).

Submission:

Labcorp Genetics (formerly Invitae), Labcorp
Classification: Uncertain significance. Last evaluated: 2024-11-05. Review status: criteria provided, single submitter. Criteria: Invitae Variant Classification Sherloc (09022015). Collection method: clinical testing. Allele origin: germline.
Comment: This sequence change replaces isoleucine with valine at codon 95 of the POC5 protein (p.Ile95Val). The isoleucine residue is weakly conserved and there is a small physicochemical difference between isoleucine and valine. This variant is not present in population databases (gnomAD no frequency). This variant has not been reported in the literature in individuals affected with POC5-related conditions. ClinVar contains an entry for this variant (Variation ID: 1524559). An algorithm developed to predict the effect of missense changes on protein structure and function outputs the following: PolyPhen-2: "Benign". The valine amino acid residue is found in multiple mammalian species, which suggests that this missense change does not adversely affect protein function. In summary, the available evidence is currently insufficient to determine the role of this variant in disease. Therefore, it has been classified as a Variant of Uncertain Significance.